The following is an entry in ClinVar:

ClinVar aggregate classification (germline): Likely pathogenic (1 of 4 stars; one submission).

Conditions:
DEGCAGS syndrome. Also called: DEVELOPMENTAL DELAY WITH GASTROINTESTINAL, CARDIOVASCULAR, GENITOURINARY, AND SKELETAL ABNORMALITIES. Identifiers: MedGen C5561967, MONDO:0859181, OMIM 619488.

Submission:

Foundation for Research in Genetics and Endocrinology, FRIGE's Institute of Human Genetics
Classification: Likely pathogenic for DEGCAGS syndrome. Last evaluated: 2025-05-10. Review status: criteria provided, single submitter. Criteria: ACMG Guidelines, 2015. Collection method: clinical testing. Allele origin: germline. Inheritance: Autosomal recessive inheritance. Affected: yes. Observed: 1 compound heterozygote.
Comment: A heterozygous nonsense variant in exon 5 of the ZNF699 gene (chr19:g.9297408C>A) that results in a stop codon and premature truncation of the protein at codon 120 (p.Glu120Ter; ENST00000591998.6) was detected. The p. Glu120Ter variant has not been reported in the 1000 genomes, gnomAD (v3.1), gnomAD (v2.1), topmed databases. The in-silico predictions of the variant is damaging by MutationTaster2. The reference codon is conserved across species. In summary, the variant meets our criteria to be classified as likely pathogenic.

NM_198535.3(ZNF699):c.358G>T (p.Glu120Ter)

Gene: ZNF699 (zinc finger protein 699; minus strand). Cytogenetic location: 19p13.2.
Variant type: single nucleotide variant.
Coding change: c.358G>T on transcript NM_198535.3 (MANE Select); coding-DNA position 358, G replaced by T.
Protein change: p.Glu120Ter; replaces glutamic acid 120 with a stop codon.
Molecular consequence: nonsense.
Genome position (GRCh38, 1-based): chr19:9,297,408, C>A on the plus strand (G>T on the coding strand, the complement: ZNF699 is on the minus strand). VCF-style: chr19-9297408-C-A. GRCh37 (hg19) VCF-style: chr19-9408084-C-A.
Other names: p.Glu120Ter; short protein forms E120*.
Identifiers: ClinVar variation 3901835 (VCV003901835.1).